The following is an entry in ClinVar:

ClinVar aggregate classification (germline): Uncertain significance (1 of 4 stars; one submission).

Conditions:
Inborn genetic diseases. Identifiers: MedGen C0950123, MeSH D030342.

Submission:

Ambry Genetics
Classification: Uncertain significance for Inborn genetic diseases. Last evaluated: 2025-09-14. Review status: criteria provided, single submitter. Criteria: Ambry Variant Classification Scheme 2023. Collection method: clinical testing. Allele origin: germline.
Comment: The p.L260R variant (also known as c.779T>G), located in coding exon 1 of the SAMD9 gene, results from a T to G substitution at nucleotide position 779. The leucine at codon 260 is replaced by arginine, an amino acid with dissimilar properties. This amino acid position is conserved. In addition, the in silico prediction for this alteration is inconclusive. Based on the available evidence, the clinical significance of this variant remains unclear.

NM_017654.4(SAMD9):c.779T>G (p.Leu260Arg)

Gene: SAMD9 (sterile alpha motif domain containing 9; minus strand). Cytogenetic location: 7q21.2.
Variant type: single nucleotide variant.
Coding change: c.779T>G on transcript NM_017654.4 (MANE Select); coding-DNA position 779, T replaced by G.
Protein change: p.Leu260Arg; replaces leucine 260 with arginine.
Molecular consequence: missense variant.
Genome position (GRCh38, 1-based): chr7:93,105,319, A>C on the plus strand (T>G on the coding strand, the complement: SAMD9 is on the minus strand). VCF-style: chr7-93105319-A-C. GRCh37 (hg19) VCF-style: chr7-92734632-A-C.
Other names: c.779T>G, p.Leu260Arg (NM_001193307.2); short protein forms L260R.
Identifiers: ClinVar variation 4159228 (VCV004159228.1).